The following is an entry in ClinVar:

ClinVar aggregate classification (germline): Uncertain significance. Review status: criteria provided, single submitter (1 of 4 stars). 2 submissions from 2 submitters: Uncertain significance (1). 1 of the submissions does not count toward it. Last evaluated 2021-04-02.

Conditions:
TNXB-related disorder. Also called: TNXB-related condition.

gnomAD v4.1: 7 of 1,606,450 alleles (0.00044%); highest among the groups gnomAD compares: Non-Finnish European, 0.00059%; no homozygotes.

Submissions (2):

GeneDx
Classification: Uncertain significance. Last evaluated: 2021-04-02. Review status: criteria provided, single submitter. Criteria: GeneDx Variant Classification Process June 2021. Collection method: clinical testing. Allele origin: germline. Affected: yes.
Comment: Has not been previously published as pathogenic or benign to our knowledge; Not observed at a significant frequency in large population cohorts (Lek et al., 2016); In silico analysis supports that this missense variant does not alter protein structure/function

PreventionGenetics, part of Exact Sciences
Classification: Uncertain significance for TNXB-related condition. Last evaluated: 2024-08-07. Review status: no assertion criteria provided. Collection method: clinical testing. Allele origin: germline. Not counted in ClinVar's aggregate classification.
Comment: The TNXB c.6622G>C variant is predicted to result in the amino acid substitution p.Asp2208His. To our knowledge, this variant has not been reported in the literature. This variant is reported in 0.0029% of alleles in individuals of European (Non-Finnish) descent in gnomAD. At this time, the clinical significance of this variant is uncertain due to the absence of conclusive functional and genetic evidence.

NM_001365276.2(TNXB):c.6622G>C (p.Asp2208His)

Gene: TNXB (tenascin XB; minus strand). Cytogenetic location: 6p21.33.
Variant type: single nucleotide variant.
Coding change: c.6622G>C on transcript NM_001365276.2 (MANE Select); coding-DNA position 6622, G replaced by C.
Protein change: p.Asp2208His; replaces aspartic acid 2208 with histidine.
Molecular consequence: missense variant.
Genome position (GRCh38, 1-based): chr6:32,065,040, C>G on the plus strand (G>C on the coding strand, the complement: TNXB is on the minus strand). VCF-style: chr6-32065040-C-G. GRCh37 (hg19) VCF-style: chr6-32032817-C-G.
Other names: c.6622G>C, p.Asp2208His (NM_019105.8); short protein forms D2208H.
Identifiers: ClinVar variation 1314515 (VCV001314515.3), dbSNP rs772478675, ClinGen allele CA3734371.